The following is an entry in ClinVar:

ClinVar aggregate classification (germline): Uncertain significance (1 of 4 stars; one submission).

Conditions:
DICER1-related tumor predisposition. Also called: DICER1-related pleuropulmonary blastoma cancer predisposition syndrome; DICER1 syndrome. Identifiers: Orphanet 284343, MedGen C3839822, MONDO:0100216.

Allele frequency attached by ClinVar (database versions not stated): gnomAD exomes below 0.00001; ExAC 0.00001.
gnomAD v4.1: 2 of 1,614,196 alleles (0.00012%); highest among the groups gnomAD compares: Non-Finnish European, 0.00017%; no homozygotes.

Submission:

Labcorp Genetics (formerly Invitae), Labcorp
Classification: Uncertain significance for DICER1-related tumor predisposition. Last evaluated: 2022-07-19. Review status: criteria provided, single submitter. Criteria: Invitae Variant Classification Sherloc (09022015). Collection method: clinical testing. Allele origin: germline.
Comment: In summary, the available evidence is currently insufficient to determine the role of this variant in disease. Therefore, it has been classified as a Variant of Uncertain Significance. Algorithms developed to predict the effect of missense changes on protein structure and function (SIFT, PolyPhen-2, Align-GVGD) all suggest that this variant is likely to be disruptive. ClinVar contains an entry for this variant (Variation ID: 1460940). This variant has not been reported in the literature in individuals affected with DICER1-related conditions. This variant is present in population databases (rs779823153, gnomAD 0.0009%). This sequence change replaces serine, which is neutral and polar, with threonine, which is neutral and polar, at codon 1558 of the DICER1 protein (p.Ser1558Thr).

NM_177438.3(DICER1):c.4673G>C (p.Ser1558Thr)

Gene: DICER1 (dicer 1, ribonuclease III; minus strand). Cytogenetic location: 14q32.13.
Variant type: single nucleotide variant.
Coding change: c.4673G>C on transcript NM_177438.3 (MANE Select); coding-DNA position 4673, G replaced by C.
Protein change: p.Ser1558Thr; replaces serine 1558 with threonine.
Molecular consequence: missense variant.
Genome position (GRCh38, 1-based): chr14:95,096,247, C>G on the plus strand (G>C on the coding strand, the complement: DICER1 is on the minus strand). VCF-style: chr14-95096247-C-G. GRCh37 (hg19) VCF-style: chr14-95562584-C-G.
Other names: c.4673G>C, p.Ser1558Thr (NM_001195573.1, NM_001271282.3, NM_001291628.2 and 1 more transcripts); short protein forms S1558T.
Identifiers: ClinVar variation 1460940 (VCV001460940.7), dbSNP rs779823153, ClinGen allele CA7330819.